The following is an entry in ClinVar:

ClinVar aggregate classification (germline): Uncertain significance (1 of 4 stars; one submission).

Conditions:
Myopathy, centronuclear, 2 (CNM2). Also called: MYOTUBULAR MYOPATHY, AUTOSOMAL RECESSIVE. Identifiers: Orphanet 169186, MedGen CN031787, MONDO:0009709, OMIM 255200.

gnomAD v4.1: 2 of 1,614,124 alleles (0.00012%); highest among the groups gnomAD compares: Admixed American, 0.0017%; no homozygotes.

Submission:

Labcorp Genetics (formerly Invitae), Labcorp
Classification: Uncertain significance for Myopathy, centronuclear, 2. Last evaluated: 2022-07-11. Review status: criteria provided, single submitter. Criteria: Invitae Variant Classification Sherloc (09022015). Collection method: clinical testing. Allele origin: germline.
Comment: In summary, the available evidence is currently insufficient to determine the role of this variant in disease. Therefore, it has been classified as a Variant of Uncertain Significance. Algorithms developed to predict the effect of missense changes on protein structure and function are either unavailable or do not agree on the potential impact of this missense change (SIFT: "Deleterious"; PolyPhen-2: "Possibly Damaging"; Align-GVGD: "Class C0"). ClinVar contains an entry for this variant (Variation ID: 1027311). This missense change has been observed in individual(s) with clinical features of centronuclear myopathy (Invitae). This variant is present in population databases (rs774273606, gnomAD 0.003%). This sequence change replaces aspartic acid, which is acidic and polar, with asparagine, which is neutral and polar, at codon 93 of the BIN1 protein (p.Asp93Asn).

NM_139343.3(BIN1):c.277G>A (p.Asp93Asn)

Gene: BIN1 (bridging integrator 1; minus strand). Cytogenetic location: 2q14.3.
Variant type: single nucleotide variant.
Coding change: c.277G>A on transcript NM_139343.3 (MANE Select); coding-DNA position 277, G replaced by A.
Protein change: p.Asp93Asn; replaces aspartic acid 93 with asparagine.
Molecular consequence: missense variant.
Genome position (GRCh38, 1-based): chr2:127,070,591, C>T on the plus strand (G>A on the coding strand, the complement: BIN1 is on the minus strand). VCF-style: chr2-127070591-C-T. GRCh37 (hg19) VCF-style: chr2-127828167-C-T.
Other names: c.277G>A, p.Asp93Asn (NM_001320632.2, NM_001320633.2, NM_001320640.2 and 10 more transcripts); c.205G>A, p.Asp69Asn (NM_001320634.1); c.196G>A, p.Asp66Asn (NM_001320642.1); short protein forms D66N, D69N, D93N.
Identifiers: ClinVar variation 1027311 (VCV001027311.10), dbSNP rs774273606, ClinGen allele CA1857530.